The following is an entry in ClinVar:

NM_000179.3(MSH6):c.615A>C (p.Glu205Asp)

Gene: MSH6 (mutS homolog 6; plus strand). Cytogenetic location: 2p16.3.
Variant type: single nucleotide variant.
Coding change: c.615A>C on transcript NM_000179.3 (MANE Select); coding-DNA position 615, A replaced by C.
Protein change: p.Glu205Asp; replaces glutamic acid 205 with aspartic acid.
Molecular consequence: missense variant. On other transcripts: 5 prime UTR variant (1), intron variant (2).
Genome position (GRCh38, 1-based): chr2:47,796,051, A>C. VCF-style: chr2-47796051-A-C. GRCh37 (hg19) VCF-style: chr2-48023190-A-C.
Other names: c.-288A>C (NM_001281494.2); c.-279-2560A>C (NM_001281493.2); c.238-2560A>C (NM_001281492.2); short protein forms E205D.
Identifiers: ClinVar variation 1058267 (VCV001058267.9), dbSNP rs1334827373, ClinGen allele CA346738887.

ClinVar aggregate classification (germline): Uncertain significance (1 of 4 stars; one submission).

Conditions:
Hereditary nonpolyposis colorectal neoplasms. Identifiers: MedGen C0009405, MeSH D003123.

gnomAD v4.1: 2 of 1,614,134 alleles (0.00012%); highest among the groups gnomAD compares: Non-Finnish European, 0.00017%; no homozygotes.

Submission:

Labcorp Genetics (formerly Invitae), Labcorp
Classification: Uncertain significance for Hereditary nonpolyposis colorectal neoplasms. Last evaluated: 2020-03-09. Review status: criteria provided, single submitter. Criteria: Invitae Variant Classification Sherloc (09022015). Collection method: clinical testing. Allele origin: germline.
Comment: This sequence change replaces glutamic acid with aspartic acid at codon 205 of the MSH6 protein (p.Glu205Asp). The glutamic acid residue is weakly conserved and there is a small physicochemical difference between glutamic acid and aspartic acid. This variant is not present in population databases (ExAC no frequency). This variant has not been reported in the literature in individuals with MSH6-related conditions. Algorithms developed to predict the effect of missense changes on protein structure and function output the following: SIFT: "Tolerated"; PolyPhen-2: "Benign"; Align-GVGD: "Class C0". The aspartic acid amino acid residue is found in multiple mammalian species, suggesting that this missense change does not adversely affect protein function. These predictions have not been confirmed by published functional studies and their clinical significance is uncertain. In summary, the available evidence is currently insufficient to determine the role of this variant in disease. Therefore, it has been classified as a Variant of Uncertain Significance.